The following is an entry in ClinVar:

ClinVar aggregate classification (germline): Uncertain significance (1 of 4 stars; one submission).

Allele frequency attached by ClinVar (database versions not stated): gnomAD exomes 0.00001 and 0.00002; ExAC 0.00002; gnomAD 0.00003; TOPMed 0.00003.
gnomAD v4.1: 27 of 1,613,232 alleles (0.0017%); highest among the groups gnomAD compares: Admixed American, 0.01%; no homozygotes.

Submission:

Labcorp Genetics (formerly Invitae), Labcorp
Classification: Uncertain significance. Last evaluated: 2023-12-11. Review status: criteria provided, single submitter. Criteria: Invitae Variant Classification Sherloc (09022015). Collection method: clinical testing. Allele origin: germline.
Comment: This sequence change replaces alanine, which is neutral and non-polar, with threonine, which is neutral and polar, at codon 51 of the CNGA3 protein (p.Ala51Thr). This variant is present in population databases (rs770052346, gnomAD 0.009%). This variant has not been reported in the literature in individuals affected with CNGA3-related conditions. ClinVar contains an entry for this variant (Variation ID: 1018302). Advanced modeling of protein sequence and biophysical properties (such as structural, functional, and spatial information, amino acid conservation, physicochemical variation, residue mobility, and thermodynamic stability) performed at Invitae indicates that this missense variant is not expected to disrupt CNGA3 protein function with a negative predictive value of 95%. In summary, the available evidence is currently insufficient to determine the role of this variant in disease. Therefore, it has been classified as a Variant of Uncertain Significance.

NM_001298.3(CNGA3):c.151G>A (p.Ala51Thr)

Gene: CNGA3 (cyclic nucleotide gated channel subunit alpha 3; plus strand). Cytogenetic location: 2q11.2.
Variant type: single nucleotide variant.
Coding change: c.151G>A on transcript NM_001298.3 (MANE Select); coding-DNA position 151, G replaced by A.
Protein change: p.Ala51Thr; replaces alanine 51 with threonine.
Molecular consequence: missense variant.
Genome position (GRCh38, 1-based): chr2:98,377,736, G>A. VCF-style: chr2-98377736-G-A. GRCh37 (hg19) VCF-style: chr2-98994199-G-A.
Other names: c.151G>A, p.Ala51Thr (NM_001079878.2); short protein forms A51T.
Identifiers: ClinVar variation 1018302 (VCV001018302.6), dbSNP rs770052346, ClinGen allele CA1793595.
Genomic context (GRCh38, chr2:98,377,736, plus strand): 5'-TGATTTCCTAGAGCCCACTCGTCAAGTGAGGAGACATCGTCAGTGCTGCAGCCGGGGATC[G>A]CCATGGAGACCAGAGGACTGGCTGACTCCGGGCAGGGCTCCTTCACCGGCCAGGGGATCG-3'
Protein context (NP_001289.1, residues 41-61): ETSSVLQPGI[Ala51Thr]METRGLADSG